The following is an entry in ClinVar:

ClinVar aggregate classification (germline): Pathogenic (1 of 4 stars; one submission).

Conditions:
Fabry disease. Also called: ALPHA-GALACTOSIDASE A DEFICIENCY; ANDERSON-FABRY DISEASE; CERAMIDE TRIHEXOSIDASE DEFICIENCY; GLA DEFICIENCY; HEREDITARY DYSTOPIC LIPIDOSIS; Angiokeratoma corporis diffusum. Identifiers: Orphanet 324, MedGen C0002986, MONDO:0010526, OMIM 301500, HP:0001071. Disease mechanism: Fabry disease is due to inactivating mutations in the X-linked GLA gene resulting in deficiency of the enzyme Alpha Galactosidase-A., loss of function.

Submission:

Genomenon, Inc
Classification: Pathogenic for Fabry disease. Last evaluated: 2026-09-08. Review status: criteria provided, single submitter. Criteria: Genomenon Sequence Variant Interpretation Standards - Updated. Collection method: curation. Allele origin: germline. Affected: yes.
Comment: GLA p.Asp136Glu (c.408T>A) is a missense variant that changes the amino acid at codon 136 from Aspartic acid to Glutamic acid. This variant has been observed in at least one proband with clinical features consistent with Fabry disease (PMID:32583479;22176145;30594474). At least one functional study has demonstrated a substantial alteration in protein function relative to the wild-type (PMID:32023956;27657681;23935525). This variant is located in a mutational hotspot and/or important functional domain. It is absent or not present at a significant frequency in gnomAD. In silico models predict that this variant is possibly or probably damaging. In conclusion, we classify GLA p.Asp136Glu (c.408T>A) as a pathogenic variant.

Literature cited by the submitters: PubMed 32583479; PubMed 22176145; PubMed 30594474; PubMed 32023956; PubMed 27657681; PubMed 23935525.

NM_000169.3(GLA):c.408T>A (p.Asp136Glu)

Genes: GLA (galactosidase alpha; minus strand), RPL36A-HNRNPH2 (RPL36A-HNRNPH2 readthrough; plus strand). Cytogenetic location: Xq22.1.
Variant type: single nucleotide variant.
Coding change: c.408T>A on transcript NM_000169.3 (MANE Select); coding-DNA position 408, T replaced by A.
Protein change: p.Asp136Glu; replaces aspartic acid 136 with glutamic acid.
Molecular consequence: missense variant. On other transcripts: non-coding transcript variant (3), intron variant (2).
Genome position (GRCh38, 1-based): chrX:101,401,771, A>T on the plus strand (T>A on the coding strand, the complement: GLA is on the minus strand). VCF-style: chrX-101401771-A-T. GRCh37 (hg19) VCF-style: chrX-100656759-A-T.
Other names: c.531T>A, p.Asp177Glu (NM_001406747.1, NM_001406749.1); c.408T>A, p.Asp136Glu (NM_001406748.1); c.300+6314A>T (NM_001199973.2); c.177+9949A>T (NM_001199974.2); short protein forms D136E, D177E.
Identifiers: ClinVar variation 4087362 (VCV004087362.2).